The following is an entry in ClinVar:

NM_181552.4(CUX1):c.2470T>C (p.Trp824Arg)

Gene: CUX1 (cut like homeobox 1; plus strand). Cytogenetic location: 7q22.1.
Variant type: single nucleotide variant.
Coding change: c.2470T>C on transcript NM_181552.4 (MANE Select); coding-DNA position 2470, T replaced by C.
Protein change: p.Trp824Arg; replaces tryptophan 824 with arginine.
Molecular consequence: missense variant. On other transcripts: intron variant (5).
Genome position (GRCh38, 1-based): chr7:102,201,767, T>C. VCF-style: chr7-102201767-T-C. GRCh37 (hg19) VCF-style: chr7-101845047-T-C.
Other names: c.2503T>C, p.Trp835Arg (NM_001202543.2); c.1255+6164T>C (NM_001913.5); c.1249+6164T>C (NM_181500.4); c.1117+6164T>C (NM_001202545.3); c.1207+6164T>C (NM_001202544.3); c.1138+6164T>C (NM_001202546.3); short protein forms W824R, W835R.
Identifiers: ClinVar variation 3369270 (VCV003369270.1).

ClinVar aggregate classification (germline): Uncertain significance (1 of 4 stars; one submission).

Submission:

GeneDx
Classification: Uncertain significance. Last evaluated: 2024-02-14. Review status: criteria provided, single submitter. Criteria: GeneDx Variant Classification Process June 2021. Collection method: clinical testing. Allele origin: germline. Affected: yes.
Comment: Not observed at significant frequency in large population cohorts (gnomAD); In silico analysis supports that this missense variant has a deleterious effect on protein structure/function; Has not been previously published as pathogenic or benign to our knowledge